The following is an entry in ClinVar:

NM_004380.3(CREBBP):c.500C>T (p.Ala167Val)

Gene: CREBBP (CREB binding lysine acetyltransferase; minus strand). Cytogenetic location: 16p13.3.
Variant type: single nucleotide variant.
Coding change: c.500C>T on transcript NM_004380.3 (MANE Select); coding-DNA position 500, C replaced by T.
Protein change: p.Ala167Val; replaces alanine 167 with valine.
Molecular consequence: missense variant.
Genome position (GRCh38, 1-based): chr16:3,850,595, G>A on the plus strand (C>T on the coding strand, the complement: CREBBP is on the minus strand). VCF-style: chr16-3850595-G-A. GRCh37 (hg19) VCF-style: chr16-3900596-G-A.
Other names: c.500C>T, p.Ala167Val (NM_001079846.1); short protein forms A167V.
Identifiers: ClinVar variation 4985312 (VCV004985312.1).

ClinVar aggregate classification (germline): Uncertain significance (1 of 4 stars; one submission).

Conditions:
CREBBP-related disorder. Also called: CREBBP-related disorders; CREBBP-related condition.

gnomAD v4.1: 11 of 1,614,242 alleles (0.00068%); highest among the groups gnomAD compares: Middle Eastern, 0.016%; no homozygotes.

Submission:

PreventionGenetics, part of Exact Sciences
Classification: Uncertain significance for CREBBP-related condition. Last evaluated: 2026-03-26. Review status: criteria provided, single submitter. Criteria: ACMG Guidelines, 2015. Collection method: clinical testing. Allele origin: germline.
Comment: The CREBBP c.500C>T variant is predicted to result in the amino acid substitution p.Ala167Val. To our knowledge, this variant has not been reported in the literature. This variant is reported in 0.0062% of alleles in individuals of African descent in gnomAD. At this time, the clinical significance of this variant is uncertain due to the absence of conclusive functional and genetic evidence.